The following is an entry in ClinVar:

ClinVar aggregate classification (germline): Uncertain significance. Review status: criteria provided, multiple submitters, no conflicts (2 of 4 stars). 2 submissions from 2 submitters: Uncertain significance (2). Last evaluated 2025-09-27.

Allele frequency attached by ClinVar (database versions not stated): gnomAD 0.00001; gnomAD exomes 0.00001; TOPMed 0.00001; ExAC 0.00002.

Submissions (2):

Labcorp Genetics (formerly Invitae), Labcorp
Classification: Uncertain significance. Last evaluated: 2025-09-27. Review status: criteria provided, single submitter. Criteria: Invitae Variant Classification Sherloc (09022015). Collection method: clinical testing. Allele origin: germline.
Comment: This sequence change replaces serine, which is neutral and polar, with leucine, which is neutral and non-polar, at codon 11 of the ABRAXAS1 protein (p.Ser11Leu). The frequency data for this variant in the population databases is considered unreliable, as metrics indicate poor data quality at this position in the gnomAD database. This variant has not been reported in the literature in individuals affected with ABRAXAS1-related conditions. ClinVar contains an entry for this variant (Variation ID: 1498552). Invitae Evidence Modeling of protein sequence and biophysical properties (such as structural, functional, and spatial information, amino acid conservation, physicochemical variation, residue mobility, and thermodynamic stability) indicates that this missense variant is expected to disrupt ABRAXAS1 protein function with a positive predictive value of 80%. In summary, the available evidence is currently insufficient to determine the role of this variant in disease. Therefore, it has been classified as a Variant of Uncertain Significance.

Ambry Genetics
Classification: Uncertain significance. Last evaluated: 2023-01-17. Review status: criteria provided, single submitter. Criteria: Ambry Variant Classification Scheme 2023. Collection method: clinical testing. Allele origin: germline.

NM_139076.3(ABRAXAS1):c.32C>T (p.Ser11Leu)

Genes: ABRAXAS1 (abraxas 1, BRCA1 A complex subunit; minus strand), LOC129992784 (ATAC-STARR-seq lymphoblastoid silent region 15542; plus strand). Cytogenetic location: 4q21.23.
Variant type: single nucleotide variant.
Coding change: c.32C>T on transcript NM_139076.3 (MANE Select); coding-DNA position 32, C replaced by T.
Protein change: p.Ser11Leu; replaces serine 11 with leucine.
Molecular consequence: missense variant. On other transcripts: 5 prime UTR variant (1).
Genome position (GRCh38, 1-based): chr4:83,485,041, G>A on the plus strand (C>T on the coding strand, the complement: ABRAXAS1 is on the minus strand). VCF-style: chr4-83485041-G-A. GRCh37 (hg19) VCF-style: chr4-84406194-G-A.
Other names: c.-229C>T (NM_001345962.2); c.32C>T (NM_139076.2); short protein forms S11L.
Identifiers: ClinVar variation 1498552 (VCV001498552.7), dbSNP rs761205390, ClinGen allele CA2990682.